The following is an entry in ClinVar:

ClinVar aggregate classification (germline): Uncertain significance (1 of 4 stars; one submission).

Allele frequency attached by ClinVar (database versions not stated): gnomAD exomes below 0.00001; ExAC 0.00001; gnomAD 0.00001.
gnomAD v4.1: 5 of 1,614,048 alleles (0.00031%); highest among the groups gnomAD compares: Admixed American, 0.0033%; no homozygotes.

Submission:

Labcorp Genetics (formerly Invitae), Labcorp
Classification: Uncertain significance. Last evaluated: 2022-12-29. Review status: criteria provided, single submitter. Criteria: Invitae Variant Classification Sherloc (09022015). Collection method: clinical testing. Allele origin: germline.
Comment: This sequence change replaces tyrosine, which is neutral and polar, with cysteine, which is neutral and slightly polar, at codon 1873 of the TCF20 protein (p.Tyr1873Cys). In summary, the available evidence is currently insufficient to determine the role of this variant in disease. Therefore, it has been classified as a Variant of Uncertain Significance. Algorithms developed to predict the effect of missense changes on protein structure and function are either unavailable or do not agree on the potential impact of this missense change (SIFT: "Deleterious"; PolyPhen-2: "Probably Damaging"; Align-GVGD: "Class C15"). This variant has not been reported in the literature in individuals affected with TCF20-related conditions. This variant is not present in population databases (gnomAD no frequency).

NM_001378418.1(TCF20):c.5618A>G (p.Tyr1873Cys)

Gene: TCF20 (transcription factor 20; minus strand). Cytogenetic location: 22q13.2.
Variant type: single nucleotide variant.
Coding change: c.5618A>G on transcript NM_001378418.1 (MANE Select); coding-DNA position 5618, A replaced by G.
Protein change: p.Tyr1873Cys; replaces tyrosine 1873 with cysteine.
Molecular consequence: missense variant.
Genome position (GRCh38, 1-based): chr22:42,209,688, T>C on the plus strand (A>G on the coding strand, the complement: TCF20 is on the minus strand). VCF-style: chr22-42209688-T-C. GRCh37 (hg19) VCF-style: chr22-42605694-T-C.
Other names: c.5618A>G, p.Tyr1873Cys (NM_005650.4, NM_181492.3); short protein forms Y1873C.
Identifiers: ClinVar variation 2969281 (VCV002969281.3), dbSNP rs781307727, ClinGen allele CA10266443.